The following is an entry in ClinVar:

ClinVar aggregate classification (germline): Uncertain significance (1 of 4 stars; one submission).

Conditions:
Neurodevelopmental disorder. Identifiers: MedGen C1535926, MeSH D065886, MONDO:0700092.

gnomAD v4.1: 3 of 1,614,034 alleles (0.00019%); highest among the groups gnomAD compares: Non-Finnish European, 0.00025%; no homozygotes.

Submission:

Molecular Genetics, Royal Melbourne Hospital
Classification: Uncertain significance for Neurodevelopmental disorder. Last evaluated: 2022-11-03. Review status: criteria provided, single submitter. Criteria: ACMG Guidelines, 2015. Collection method: clinical testing. Allele origin: germline. Affected: yes.
Comment: This sequence change in H4C6 is predicted to replace lysine with asparagine at codon 32, p.(Lys32Asn). The lysine residue is highly conserved (100 vertebrates, UCSC), and is located in the H4 globular domain in a region (amino acids 32-45) where variants identified in individuals with a neurodevelopmental syndrome cluster in six H4 genes (PMID: 35202563). There is a moderate physicochemical difference between lysine and asparagine. This variant is absent from the population database gnomAD v2.1 and v3.1. To our knowledge, this variant has not been reported in the relevant literature or databases. Multiple lines of computational evidence predict a deleterious effect for the missense substitution (3/4 algorithms). Based on the classification scheme RMH Modified ACMG Guidelines v1.4.0, this variant is classified as a VARIANT OF UNCERTAIN SIGNIFICANCE in a GENE OF UNCERTAIN SIGNIFICANCE. Following criteria are met: PM1, PM2_Supporting, PP3.

Literature cited by the submitters: PubMed 35202563.

NM_003540.4(H4C6):c.96G>C (p.Lys32Asn)

Gene: H4C6 (H4 clustered histone 6; plus strand). Cytogenetic location: 6p22.2.
Variant type: single nucleotide variant.
Coding change: c.96G>C on transcript NM_003540.4 (MANE Select); coding-DNA position 96, G replaced by C.
Protein change: p.Lys32Asn; replaces lysine 32 with asparagine.
Molecular consequence: missense variant.
Genome position (GRCh38, 1-based): chr6:26,240,521, G>C. VCF-style: chr6-26240521-G-C. GRCh37 (hg19) VCF-style: chr6-26240749-G-C.
Other names: short protein forms K32N.
Identifiers: ClinVar variation 3068569 (VCV003068569.1), dbSNP rs117670320, ClinGen allele CA363200881.